The following is an entry in ClinVar:

NM_013275.6(ANKRD11):c.7134C>T (p.Asp2378=)

Gene: ANKRD11 (ankyrin repeat domain 11; minus strand). Cytogenetic location: 16q24.3.
Variant type: single nucleotide variant.
Coding change: c.7134C>T on transcript NM_013275.6 (MANE Select); coding-DNA position 7134, C replaced by T.
Protein change: p.Asp2378=; no amino-acid change (aspartic acid 2378 retained).
Molecular consequence: synonymous variant.
Genome position (GRCh38, 1-based): chr16:89,279,408, G>A on the plus strand (C>T on the coding strand, the complement: ANKRD11 is on the minus strand). VCF-style: chr16-89279408-G-A. GRCh37 (hg19) VCF-style: chr16-89345816-G-A.
Other names: c.7134C>T, p.Asp2378= (NM_001256182.2, NM_001256183.2).
Identifiers: ClinVar variation 2164143 (VCV002164143.9), dbSNP rs1214207859, ClinGen allele CA497372637.
Genomic context (GRCh38, chr16:89,279,408, plus strand): 5'-CTGCTGCAGCTGCTGGGTGGAGCGCTGAAAGCGGCGTTTGCGCGGATGCTGGGCCTGGGC[G>A]TCGTCGTCCTCGGAGCCGCGGGCCTTGGCCCTGGTGACCGGGGCAGGGGTGGGGGCGCAC-3'
Protein context (NP_037407.4, residues 2368-2388): RAKARGSEDD[Asp2378=]AQAQHPRKRR

ClinVar aggregate classification (germline): Likely benign. Review status: criteria provided, multiple submitters, no conflicts (2 of 4 stars). 3 submissions from 3 submitters: Likely benign (3). Last evaluated 2026-03-01.

Conditions:
KBG syndrome (KBGS). Also called: ANKRD11-Related KBG Syndrome. Identifiers: Orphanet 2332, MedGen C0220687, MONDO:0007846, OMIM 148050.

Allele frequency attached by ClinVar (database versions not stated): gnomAD exomes below 0.00001; TOPMed 0.00002.
gnomAD v4.1: 9 of 1,540,464 alleles (0.00058%); highest among the groups gnomAD compares: East Asian, 0.0049%; no homozygotes.

Submissions (3):

CeGaT Center for Human Genetics Tuebingen
Classification: Likely benign. Last evaluated: 2026-03-01. Review status: criteria provided, single submitter. Criteria: CeGaT Center For Human Genetics Tuebingen Variant Classification Criteria Version 2. Collection method: clinical testing. Allele origin: germline. Affected: yes. Observed: 1 variant allele.
Comment: ANKRD11: BP4, BP7

Labcorp Genetics (formerly Invitae), Labcorp
Classification: Likely benign for KBG syndrome. Last evaluated: 2024-10-17. Review status: criteria provided, single submitter. Criteria: Invitae Variant Classification Sherloc (09022015). Collection method: clinical testing. Allele origin: germline.

Blueprint Genetics
Classification: Likely benign. Last evaluated: 2022-12-07. Review status: criteria provided, single submitter. Criteria: ACMG Guidelines, 2015. Collection method: clinical testing. Allele origin: germline.